The following is an entry in ClinVar:

NM_025233.7(COASY):c.1187A>G (p.Tyr396Cys)

Gene: COASY (Coenzyme A synthase; plus strand). Cytogenetic location: 17q21.2.
Variant type: single nucleotide variant.
Coding change: c.1187A>G on transcript NM_025233.7 (MANE Select); coding-DNA position 1187, A replaced by G.
Protein change: p.Tyr396Cys; replaces tyrosine 396 with cysteine.
Molecular consequence: missense variant.
Genome position (GRCh38, 1-based): chr17:42,564,848, A>G. VCF-style: chr17-42564848-A-G. GRCh37 (hg19) VCF-style: chr17-40716866-A-G.
Other names: c.1187A>G, p.Tyr396Cys (NM_001042529.3); c.1274A>G, p.Tyr425Cys (NM_001042532.4); short protein forms Y396C, Y425C.
Identifiers: ClinVar variation 1186262 (VCV001186262.2), dbSNP rs375845459, ClinGen allele CA8578216.

ClinVar aggregate classification (germline): Uncertain significance (1 of 4 stars; one submission).

Allele frequency attached by ClinVar (database versions not stated): gnomAD 0.00001; ExAC 0.00002; gnomAD exomes 0.00002 and 0.00004; TOPMed 0.00002; ESP Exome Variant Server 0.00008.
gnomAD v4.1: 65 of 1,586,368 alleles (0.0041%); highest among the groups gnomAD compares: Non-Finnish European, 0.0052%; no homozygotes.

Submission:

GeneDx
Classification: Uncertain significance. Last evaluated: 2020-05-18. Review status: criteria provided, single submitter. Criteria: GeneDx Variant Classification Process June 2021. Collection method: clinical testing. Allele origin: germline. Affected: yes.
Comment: Not observed at a significant frequency in large population cohorts (Lek et al., 2016); In silico analysis, which includes protein predictors and evolutionary conservation, supports a deleterious effect; Has not been previously published as pathogenic or benign to our knowledge